The following is an entry in ClinVar:

ClinVar aggregate classification (germline): Uncertain significance. Review status: criteria provided, multiple submitters, no conflicts (2 of 4 stars). 2 submissions from 2 submitters: Uncertain significance (2). Last evaluated 2024-12-06.

Conditions:
Cardiovascular phenotype. Identifiers: MedGen CN230736.
Hereditary cancer-predisposing syndrome. Also called: Hereditary neoplastic syndrome; Tumor predisposition; Hereditary Cancer Syndrome; Neoplastic Syndromes, Hereditary. Identifiers: Orphanet 140162, MedGen C0027672, MeSH D009386, MONDO:0015356.
Neurofibromatosis, type 1 (NF1). Also called: VON RECKLINGHAUSEN DISEASE; NEUROFIBROMATOSIS, TYPE I, SOMATIC; Neurofibromatosis, type I; Peripheral type neurofibromatosis. Identifiers: Orphanet 636, MedGen C0027831, MONDO:0018975, OMIM 162200. Disease mechanism: loss of function.

Allele frequency attached by ClinVar (database versions not stated): TOPMed below 0.00001.

Submissions (2):

Ambry Genetics
Classification: Uncertain significance for Cardiovascular phenotype; Hereditary cancer-predisposing syndrome. Last evaluated: 2024-12-06. Review status: criteria provided, single submitter. Criteria: Ambry Variant Classification Scheme 2023. Collection method: clinical testing. Allele origin: germline.
Comment: The p.G1681D variant (also known as c.5042G>A), located in coding exon 36 of the NF1 gene, results from a G to A substitution at nucleotide position 5042. The glycine at codon 1681 is replaced by aspartic acid, an amino acid with similar properties. This amino acid position is highly conserved in available vertebrate species. In addition, this alteration is predicted to be deleterious by in silico analysis. Based on the available evidence, the clinical significance of this variant remains unclear.

Labcorp Genetics (formerly Invitae), Labcorp
Classification: Uncertain significance for Neurofibromatosis, type 1. Last evaluated: 2021-03-17. Review status: criteria provided, single submitter. Criteria: Invitae Variant Classification Sherloc (09022015). Collection method: clinical testing. Allele origin: germline.
Comment: This variant is not present in population databases (ExAC no frequency). In summary, the available evidence is currently insufficient to determine the role of this variant in disease. Therefore, it has been classified as a Variant of Uncertain Significance. Advanced modeling of protein sequence and biophysical properties (such as structural, functional, and spatial information, amino acid conservation, physicochemical variation, residue mobility, and thermodynamic stability) performed at Invitae indicates that this missense variant is expected to disrupt NF1 protein function. This variant has not been reported in the literature in individuals with NF1-related conditions. This sequence change replaces glycine with aspartic acid at codon 1681 of the NF1 protein (p.Gly1681Asp). The glycine residue is moderately conserved and there is a moderate physicochemical difference between glycine and aspartic acid.

NM_001042492.3(NF1):c.5105G>A (p.Gly1702Asp)

Gene: NF1 (neurofibromin 1; plus strand). Cytogenetic location: 17q11.2.
Variant type: single nucleotide variant.
Coding change: c.5105G>A on transcript NM_001042492.3 (MANE Select); coding-DNA position 5105, G replaced by A.
Protein change: p.Gly1702Asp; replaces glycine 1702 with aspartic acid.
Molecular consequence: missense variant.
Genome position (GRCh38, 1-based): chr17:31,326,089, G>A. VCF-style: chr17-31326089-G-A. GRCh37 (hg19) VCF-style: chr17-29653107-G-A.
Other names: c.5042G>A, p.Gly1681Asp (NM_000267.4); short protein forms G1702D, G1681D.
Identifiers: ClinVar variation 1426511 (VCV001426511.9), dbSNP rs2069333953, ClinGen allele CA399007607.
Genomic context (GRCh38, chr17:31,326,089, plus strand): 5'-GTAACTCCTGGGTCAGGGAGTACACCAAGTATCATGAGCGGCTGCTGACTGGCCTCAAAG[G>A]TAGCAAAAGGCTTGTTTTCATAGACTGTCCTGGGAAACTGGCTGAGCACATAGAGCATGA-3'
Protein context (NP_001035957.1, residues 1692-1712): YHERLLTGLK[Gly1702Asp]SKRLVFIDCP